The following is an entry in ClinVar:

ClinVar aggregate classification (germline): Likely benign (1 of 4 stars; one submission).

Submission:

CeGaT Center for Human Genetics Tuebingen
Classification: Likely benign. Last evaluated: 2023-11-01. Review status: criteria provided, single submitter. Criteria: CeGaT Center For Human Genetics Tuebingen Variant Classification Criteria Version 2. Collection method: clinical testing. Allele origin: germline. Affected: yes. Observed: 1 variant allele.
Comment: MYLK: PM2:Supporting, BP4, BP7

NM_053025.4(MYLK):c.5460T>G (p.Val1820=)

Genes: MYLK (myosin light chain kinase; minus strand), MYLK-AS1 (MYLK antisense RNA 1; plus strand). Cytogenetic location: 3q21.1.
Variant type: single nucleotide variant.
Coding change: c.5460T>G on transcript NM_053025.4 (MANE Select); coding-DNA position 5460, T replaced by G.
Protein change: p.Val1820=; no amino-acid change (valine 1820 retained).
Molecular consequence: synonymous variant.
Genome position (GRCh38, 1-based): chr3:123,618,679, A>C on the plus strand (T>G on the coding strand, the complement: MYLK is on the minus strand). VCF-style: chr3-123618679-A-C. GRCh37 (hg19) VCF-style: chr3-123337526-A-C.
Other names: c.4932T>G, p.Val1644= (NM_001321309.2); c.5253T>G, p.Val1751= (NM_053026.4); c.5307T>G, p.Val1769= (NM_053027.4); c.5100T>G, p.Val1700= (NM_053028.4); c.177T>G, p.Val59= (NM_053031.4); c.180T>G, p.Val60= (NM_053032.4).
Identifiers: ClinVar variation 2672950 (VCV002672950.23), dbSNP rs771352638, ClinGen allele CA435300117.